The following is an entry in ClinVar:

NM_001369.3(DNAH5):c.8666C>T (p.Ala2889Val)

Gene: DNAH5 (dynein axonemal heavy chain 5; minus strand). Cytogenetic location: 5p15.2.
Variant type: single nucleotide variant.
Coding change: c.8666C>T on transcript NM_001369.3 (MANE Select); coding-DNA position 8666, C replaced by T.
Protein change: p.Ala2889Val; replaces alanine 2889 with valine.
Molecular consequence: missense variant.
Genome position (GRCh38, 1-based): chr5:13,786,333, G>A on the plus strand (C>T on the coding strand, the complement: DNAH5 is on the minus strand). VCF-style: chr5-13786333-G-A. GRCh37 (hg19) VCF-style: chr5-13786442-G-A.
Other names: short protein forms A2889V.
Identifiers: ClinVar variation 4869960 (VCV004869960.1).

ClinVar aggregate classification (germline): Uncertain significance (1 of 4 stars; one submission).

Conditions:
Primary ciliary dyskinesia. Also called: Ciliary dyskinesia. Identifiers: Orphanet 244, MedGen C0008780, MONDO:0016575, HP:0012265.

gnomAD v4.1: 1 of 1,613,932 alleles (0.000062%); no homozygotes.

Submission:

Ambry Genetics
Classification: Uncertain significance for Primary ciliary dyskinesia. Last evaluated: 2026-05-14. Review status: criteria provided, single submitter. Criteria: Ambry Variant Classification Scheme 2023. Collection method: clinical testing. Allele origin: germline.
Comment: The p.A2889V variant (also known as c.8666C>T), located in coding exon 52 of the DNAH5 gene, results from a C to T substitution at nucleotide position 8666. The alanine at codon 2889 is replaced by valine, an amino acid with similar properties. This amino acid position is conserved. In addition, this alteration is predicted to be tolerated by in silico analysis. Based on the available evidence, the clinical significance of this variant remains unclear.